The following is an entry in ClinVar:

NM_080860.4(RSPH1):c.788A>G (p.Asp263Gly)

Gene: RSPH1 (radial spoke head component 1; minus strand). Cytogenetic location: 21q22.3.
Variant type: single nucleotide variant.
Coding change: c.788A>G on transcript NM_080860.4 (MANE Select); coding-DNA position 788, A replaced by G.
Protein change: p.Asp263Gly; replaces aspartic acid 263 with glycine.
Molecular consequence: missense variant.
Genome position (GRCh38, 1-based): chr21:42,475,987, T>C on the plus strand (A>G on the coding strand, the complement: RSPH1 is on the minus strand). VCF-style: chr21-42475987-T-C. GRCh37 (hg19) VCF-style: chr21-43896097-T-C.
Other names: c.674A>G, p.Asp225Gly (NM_001286506.2); short protein forms D263G, D225G.
Identifiers: ClinVar variation 934912 (VCV000934912.7), dbSNP rs2054043796, ClinGen allele CA410362131.

ClinVar aggregate classification (germline): Uncertain significance (1 of 4 stars; one submission).

Conditions:
Primary ciliary dyskinesia. Also called: Ciliary dyskinesia. Identifiers: Orphanet 244, MedGen C0008780, MONDO:0016575, HP:0012265.

Allele frequency attached by ClinVar (database versions not stated): gnomAD exomes below 0.00001.
gnomAD v4.1: 1 of 1,613,310 alleles (0.000062%); highest among the groups gnomAD compares: African/African-American, 0.0013%; no homozygotes.

Submission:

Labcorp Genetics (formerly Invitae), Labcorp
Classification: Uncertain significance for Primary ciliary dyskinesia. Last evaluated: 2022-02-03. Review status: criteria provided, single submitter. Criteria: Invitae Variant Classification Sherloc (09022015). Collection method: clinical testing. Allele origin: germline.
Comment: This sequence change replaces aspartic acid, which is acidic and polar, with glycine, which is neutral and non-polar, at codon 263 of the RSPH1 protein (p.Asp263Gly). This variant is not present in population databases (gnomAD no frequency). This variant has not been reported in the literature in individuals affected with RSPH1-related conditions. ClinVar contains an entry for this variant (Variation ID: 934912). Algorithms developed to predict the effect of missense changes on protein structure and function (SIFT, PolyPhen-2, Align-GVGD) all suggest that this variant is likely to be tolerated. In summary, the available evidence is currently insufficient to determine the role of this variant in disease. Therefore, it has been classified as a Variant of Uncertain Significance.